The following is an entry in ClinVar:

NM_001364905.1(LRBA):c.2427T>C (p.Ser809=)

Gene: LRBA (LPS responsive beige-like anchor protein; minus strand). Cytogenetic location: 4q31.3.
Variant type: single nucleotide variant.
Coding change: c.2427T>C on transcript NM_001364905.1 (MANE Select); coding-DNA position 2427, T replaced by C.
Protein change: p.Ser809=; no amino-acid change (serine 809 retained).
Molecular consequence: synonymous variant.
Genome position (GRCh38, 1-based): chr4:150,870,547, A>G on the plus strand (T>C on the coding strand, the complement: LRBA is on the minus strand). VCF-style: chr4-150870547-A-G. GRCh37 (hg19) VCF-style: chr4-151791699-A-G.
Other names: p.Ser809=; c.2427T>C, p.Ser809= (NM_001199282.3, NM_001367550.1, NM_001440430.1 and 2 more transcripts).
Identifiers: ClinVar variation 4684810 (VCV004684810.1).

ClinVar aggregate classification (germline): Likely benign (1 of 4 stars; one submission).

Submission:

Mayo Clinic Laboratories, Mayo Clinic
Classification: Likely benign. Last evaluated: 2024-12-02. Review status: criteria provided, single submitter. Criteria: ACMG Guidelines, 2015. Collection method: clinical testing. Allele origin: germline. Observed: 1 variant allele.
Comment: BP4, BP7, PM2_supporting